The following is an entry in ClinVar:

NM_003383.5(VLDLR):c.1186+21T>C

Gene: VLDLR (very low density lipoprotein receptor; plus strand). Cytogenetic location: 9p24.2.
Variant type: single nucleotide variant.
Coding change: c.1186+21T>C on transcript NM_003383.5 (MANE Select); 21 bases into the intron after coding-DNA position 1186, T replaced by C.
Molecular consequence: intron variant.
Genome position (GRCh38, 1-based): chr9:2,644,874, T>C. VCF-style: chr9-2644874-T-C. GRCh37 (hg19) VCF-style: chr9-2644874-T-C.
Other names: c.1186+21T>C (NM_001018056.3); c.1063+21T>C (NM_001322225.2, NM_001322226.2).
Identifiers: ClinVar variation 676040 (VCV000676040.2), dbSNP rs7863951, ClinGen allele CA4964758.

ClinVar aggregate classification (germline): Benign. Review status: criteria provided, multiple submitters, no conflicts (2 of 4 stars). 2 submissions from 2 submitters: Benign (2). Last evaluated 2018-06-14.

Allele frequency attached by ClinVar (database versions not stated): gnomAD exomes 0.00267 and 0.00738; ExAC 0.00896; gnomAD 0.02733 and 0.02969; ESP Exome Variant Server 0.03060; 1000 Genomes Project 0.03075; TOPMed 0.03181; 1000 Genomes Project 30x 0.03326.
gnomAD v4.1: 8,190 of 1,614,098 alleles (0.51%); highest among the groups gnomAD compares: African/African-American, 9.7%; 379 homozygotes.

Submissions (2):

GeneDx
Classification: Benign. Last evaluated: 2018-06-14. Review status: criteria provided, single submitter. Criteria: GeneDx Variant Classification (06012015). Collection method: clinical testing. Allele origin: germline. Affected: yes.
Comment: This variant is considered likely benign or benign based on one or more of the following criteria: it is a conservative change, it occurs at a poorly conserved position in the protein, it is predicted to be benign by multiple in silico algorithms, and/or has population frequency not consistent with disease.

Breakthrough Genomics
Classification: Benign. Review status: criteria provided, single submitter. Criteria: ACMG Guidelines, 2015. Collection method: not provided. Allele origin: germline. Inheritance: Autosomal recessive inheritance. Affected: yes.